The following is an entry in ClinVar:

NM_000138.5(FBN1):c.6793_6800dup (p.Leu2268fs)

Gene: FBN1 (fibrillin 1; minus strand). Cytogenetic location: 15q21.1.
Variant type: Duplication.
Coding change: c.6793_6800dup on transcript NM_000138.5 (MANE Select); coding-DNA positions 6793 to 6800, 8 bases duplicated (TGCAAGAA; older notation c.6793_6800dupTGCAAGAA).
Protein change: p.Leu2268fs; shifts the reading frame from leucine 2268.
Molecular consequence: frameshift variant.
Genome position (GRCh38, 1-based): chr15:48,430,742-48,430,749, TTCTTGCA duplicated on the plus strand (TGCAAGAA on the coding strand, the reverse complement: FBN1 is on the minus strand); duplicating any 8 consecutive bases within chr15:48,430,742-48,430,752 gives the same sequence; the c. name uses the placement nearest the transcript's 3' end. VCF-style (leftmost placement, unchanged base first): chr15-48430741-G-GTTCTTGCA. GRCh37 (hg19) VCF-style: chr15-48722938-G-GTTCTTGCA.
Other names: c.6793_6800dupTGCAAGAA (NM_000138.4); short protein forms L2268fs.
Identifiers: ClinVar variation 36106 (VCV000036106.3), dbSNP rs193922227, ClinGen allele CA281834.

ClinVar aggregate classification (germline): Likely pathogenic (1 of 4 stars; one submission).

Conditions:
Marfan syndrome (MFS). Also called: FBN1-Related Marfan Syndrome; Marfan syndrome type 1; Marfan's syndrome; Marfan syndrome, classic; MARFAN SYNDROME, TYPE I. Identifiers: Orphanet 284963, Orphanet 558, MedGen C0024796, MONDO:0007947, OMIM 154700.

Submission:

Women's Health and Genetics/Laboratory Corporation of America, LabCorp
Classification: Likely pathogenic for Marfan Syndrome. Last evaluated: 2011-08-18. Review status: criteria provided, single submitter. Criteria: LabCorp Variant Classification Summary - May 2015. Collection method: curation, clinical testing. Allele origin: germline. Inheritance: autosomal unknown. Affected: yes.
ClinVar note: Converted during submission from likely pathogenic to Likely pathogenic.